The following is an entry in ClinVar:

NM_000557.5(GDF5):c.1313G>A (p.Arg438His)

Genes: GDF5 (growth differentiation factor 5; minus strand), GDF5-AS1 (GDF5 antisense RNA 1; plus strand). Cytogenetic location: 20q11.22.
Variant type: single nucleotide variant.
Coding change: c.1313G>A on transcript NM_000557.5 (MANE Select); coding-DNA position 1313, G replaced by A.
Protein change: p.Arg438His; replaces arginine 438 with histidine.
Molecular consequence: missense variant. On other transcripts: non-coding transcript variant (1).
Genome position (GRCh38, 1-based): chr20:35,434,102, C>T on the plus strand (G>A on the coding strand, the complement: GDF5 is on the minus strand). VCF-style: chr20-35434102-C-T. GRCh37 (hg19) VCF-style: chr20-34021900-C-T.
Other names: c.1313G>A, p.Arg438His (NM_001319138.2); short protein forms R438H.
Identifiers: ClinVar variation 3251353 (VCV003251353.1), dbSNP rs74315388.
Genomic context (GRCh38, chr20:35,434,102, plus strand): 5'-GGGTCCATGGAGTTCATCAGGGTCTGGATGACTGCATGATTCGTGGGCTCCAGGTGGGAG[C>T]GCAATGGGAACTCGCACAGCCCCTCGCAGTGGAAAGCCTCGTACTCAAGGGGTGCGATGA-3'
Protein context (NP_000548.2, residues 428-448): HCEGLCEFPL[Arg438His]SHLEPTNHAV

ClinVar aggregate classification (germline): Uncertain significance (1 of 4 stars; one submission).

Allele frequency attached by ClinVar (database versions not stated): gnomAD exomes below 0.00001; TOPMed below 0.00001; gnomAD 0.00001.
gnomAD v4.1: 5 of 1,613,932 alleles (0.00031%); highest among the groups gnomAD compares: Non-Finnish European, 0.00042%; no homozygotes.

Submission:

Women's Health and Genetics/Laboratory Corporation of America, LabCorp
Classification: Uncertain significance. Last evaluated: 2024-04-11. Review status: criteria provided, single submitter. Criteria: LabCorp Variant Classification Summary - May 2015. Collection method: clinical testing. Allele origin: germline.
Comment: Variant summary: GDF5 c.1313G>A (p.Arg438His) results in a non-conservative amino acid change located in the Transforming growth factor-beta, C-terminal (IPR001839) of the encoded protein sequence. Five of five in-silico tools predict a damaging effect of the variant on protein function. The variant was absent in 251424 control chromosomes. The available data on variant occurrences in the general population are insufficient to allow any conclusion about variant significance. To our knowledge, no occurrence of c.1313G>A in individuals affected with Grebe Syndrome and no experimental evidence demonstrating its impact on protein function have been reported. No submitters have cited clinical-significance assessments for this variant to ClinVar. Based on the evidence outlined above, the variant was classified as uncertain significance.